The following is an entry in ClinVar:

NM_020988.3(GNAO1):c.957A>G (p.Ile319Met)

Gene: GNAO1 (G protein subunit alpha o1; plus strand). Cytogenetic location: 16q13.
Variant type: single nucleotide variant.
Coding change: c.957A>G on transcript NM_020988.3 (MANE Select); coding-DNA position 957, A replaced by G.
Protein change: p.Ile319Met; replaces isoleucine 319 with methionine.
Molecular consequence: missense variant.
Genome position (GRCh38, 1-based): chr16:56,354,945, A>G. VCF-style: chr16-56354945-A-G. GRCh37 (hg19) VCF-style: chr16-56388857-A-G.
Other names: short protein forms I319M.
Identifiers: ClinVar variation 2874158 (VCV002874158.3), dbSNP rs2143704836, ClinGen allele CA395955136.

ClinVar aggregate classification (germline): Uncertain significance (1 of 4 stars; one submission).

Conditions:
Early-infantile DEE. Also called: Ohtahara syndrome; Early infantile epileptic encephalopathy; Early infantile epileptic encephalopathy with suppression bursts. Identifiers: Orphanet 1934, MedGen C0393706, MONDO:0800491.

Allele frequency attached by ClinVar (database versions not stated): gnomAD exomes below 0.00001.
gnomAD v4.1: 1 of 1,613,184 alleles (0.000062%); highest among the groups gnomAD compares: Non-Finnish European, 0.000085%; no homozygotes.

Submission:

Labcorp Genetics (formerly Invitae), Labcorp
Classification: Uncertain significance for Early-infantile DEE. Last evaluated: 2024-08-27. Review status: criteria provided, single submitter. Criteria: Invitae Variant Classification Sherloc (09022015). Collection method: clinical testing. Allele origin: germline.
Comment: This sequence change replaces isoleucine, which is neutral and non-polar, with methionine, which is neutral and non-polar, at codon 319 of the GNAO1 protein (p.Ile319Met). This variant is not present in population databases (gnomAD no frequency). This variant has not been reported in the literature in individuals affected with GNAO1-related conditions. Invitae Evidence Modeling of protein sequence and biophysical properties (such as structural, functional, and spatial information, amino acid conservation, physicochemical variation, residue mobility, and thermodynamic stability) has been performed for this missense variant. However, the output from this modeling did not meet the statistical confidence thresholds required to predict the impact of this variant on GNAO1 protein function. In summary, the available evidence is currently insufficient to determine the role of this variant in disease. Therefore, it has been classified as a Variant of Uncertain Significance.